The following is an entry in ClinVar:

ClinVar aggregate classification (germline): Conflicting classifications of pathogenicity. Review status: criteria provided, conflicting classifications (1 of 4 stars). 4 submissions from 4 submitters: Uncertain significance (3); Likely benign (1). Last evaluated 2026-05-29.

Conditions:
Dilated cardiomyopathy 1G (CMD1G). Identifiers: Orphanet 154, MedGen C1858763, MONDO:0011400, OMIM 604145.
Autosomal recessive limb-girdle muscular dystrophy type 2J (LGMDR10). Also called: Limb-girdle muscular dystrophy, type 2J; MUSCULAR DYSTROPHY, LIMB-GIRDLE, AUTOSOMAL RECESSIVE 10. Identifiers: Orphanet 140922, MedGen C1837342, MONDO:0012127, OMIM 608807.
Cardiovascular phenotype. Identifiers: MedGen CN230736.

Allele frequency attached by ClinVar (database versions not stated): gnomAD 0.00001; gnomAD exomes 0.00005 and 0.00010; ExAC 0.00008; TOPMed 0.00002.
gnomAD v4.1: 30 of 1,613,698 alleles (0.0019%); highest among the groups gnomAD compares: Admixed American, 0.05%; no homozygotes.

Submissions (4):

Women's Health and Genetics/Laboratory Corporation of America, LabCorp
Classification: Uncertain significance. Last evaluated: 2026-05-29. Review status: criteria provided, single submitter. Criteria: LabCorp Variant Classification Summary - May 2015. Collection method: clinical testing. Allele origin: germline.
Comment: Variant summary: TTN c.83038G>A (p.Val27680Ile) results in a conservative amino acid change in the encoded protein sequence. Algorithms developed to predict the effect of missense changes on protein structure and function all suggest that this variant is likely to be tolerated. The variant allele was found at a frequency of 0.0001 in 248492 control chromosomes. This frequency is not significantly higher than estimated for disease-causing variants in TTN, allowing no conclusion about variant significance. To our knowledge, no occurrence of c.83038G>A in individuals affected with TTN-related conditions and no experimental evidence demonstrating its impact on protein function have been reported. ClinVar contains an entry for this variant (Variation ID: 179654). Based on the evidence outlined above, the variant was classified as uncertain significance.

Ambry Genetics
Classification: Uncertain significance for Cardiovascular phenotype. Last evaluated: 2019-04-16. Review status: criteria provided, single submitter. Criteria: Ambry Variant Classification Scheme 2023. Collection method: clinical testing. Allele origin: germline.
Comment: The p.V21183I variant (also known as c.63547G>A), located in coding exon 162 of the TTN gene, results from a G to A substitution at nucleotide position 63547. The valine at codon 21183 is replaced by isoleucine, an amino acid with highly similar properties. This amino acid position is not well conserved in available vertebrate species, and isoleucine is the reference amino acid in other vertebrate species. In addition, this alteration is predicted to be tolerated by in silico analysis. Since supporting evidence is limited at this time, the clinical significance of this alteration remains unclear.

Labcorp Genetics (formerly Invitae), Labcorp
Classification: Uncertain significance for Dilated cardiomyopathy 1G; Autosomal recessive limb-girdle muscular dystrophy type 2J. Last evaluated: 2017-04-03. Review status: criteria provided, single submitter. Criteria: Invitae Variant Classification Sherloc (09022015). Collection method: clinical testing. Allele origin: germline.

Laboratory for Molecular Medicine, Mass General Brigham Personalized Medicine
Classification: Likely benign. Last evaluated: 2014-04-02. Review status: criteria provided, single submitter. Criteria: LMM Criteria. Collection method: clinical testing. Allele origin: germline. Observed: 1 variant allele.
Comment: Val27680Ile in exon 284 of TTN: This variant is not expected to have clinical si gnificance due to a lack of conservation across species including 10 mammals tha t have an isoleucine (Ile) at this position despite high nearby amino acid conse rvation.

NM_001267550.2(TTN):c.90742G>A (p.Val30248Ile)

Genes: TTN (titin; minus strand), TTN-AS1 (TTN antisense RNA 1; plus strand). Cytogenetic location: 2q31.2.
Variant type: single nucleotide variant.
Coding change: c.90742G>A on transcript NM_001267550.2 (MANE Select); coding-DNA position 90742, G replaced by A.
Protein change: p.Val30248Ile; replaces valine 30248 with isoleucine.
Molecular consequence: missense variant.
Genome position (GRCh38, 1-based): chr2:178,552,158, C>T on the plus strand (G>A on the coding strand, the complement: TTN is on the minus strand). VCF-style: chr2-178552158-C-T. GRCh37 (hg19) VCF-style: chr2-179416885-C-T.
Other names: c.83038G>A, p.Val27680Ile (NM_133378.4); c.85819G>A, p.Val28607Ile (NM_001256850.1); c.63547G>A, p.Val21183Ile (NM_003319.4); c.63922G>A, p.Val21308Ile (NM_133432.3); c.64123G>A, p.Val21375Ile (NM_133437.4); short protein forms V27680I, V30248I, V21375I, V28607I, V21183I, V21308I.
Identifiers: ClinVar variation 179654 (VCV000179654.10), dbSNP rs727505024, ClinGen allele CA184850.